The following is an entry in ClinVar:

ClinVar aggregate classification (germline): Pathogenic (1 of 4 stars; one submission).

Conditions:
Isovaleryl-CoA dehydrogenase deficiency (IVA). Also called: ISOVALERIC ACID CoA DEHYDROGENASE DEFICIENCY; Isovaleric acidemia; IVD DEFICIENCY; Classic Isovaleric Acidemia. Identifiers: Orphanet 33, MedGen C0268575, MONDO:0009475, OMIM 243500.

Submission:

Myriad Genetics, Inc.
Classification: Pathogenic for Isovaleryl-CoA dehydrogenase deficiency. Last evaluated: 2025-06-23. Review status: criteria provided, single submitter. Criteria: Myriad Autosomal Dominant, Autosomal Recessive and X-Linked Classification Criteria (2023). Collection method: clinical testing. Allele origin: unknown.
Comment: NM_002225.3(IVD):c.224_225delAT(N75Rfs*71) is a frameshift variant classified as pathogenic in the context of isovaleric acidemia. N75Rfs*71 has not been observed in cases with relevant disease. Relevant functional assessments of this variant are not available in the literature. N75Rfs*71 has been observed in referenced population frequency databases. In summary, NM_002225.3(IVD):c.224_225delAT(N75Rfs*71) is a frameshift variant in a gene where loss of function is a known mechanism of disease and is predicted to disrupt protein function. Please note: this variant was assessed in the context of healthy population screening.

NM_002225.5(IVD):c.215_216del (p.Asn72fs)

Gene: IVD (isovaleryl-CoA dehydrogenase; plus strand). Cytogenetic location: 15q15.1.
Variant type: Deletion.
Coding change: c.215_216del on transcript NM_002225.5 (MANE Select); coding-DNA positions 215 to 216, 2 bases deleted (AT; older notation c.215_216delAT).
Protein change: p.Asn72fs; shifts the reading frame from asparagine 72.
Molecular consequence: frameshift variant. On other transcripts: non-coding transcript variant (1), intron variant (1).
Genome position (GRCh38, 1-based): chr15:40,407,706-40,407,707, AT deleted. VCF-style (leftmost placement, unchanged base first): chr15-40407705-AAT-A. GRCh37 (hg19) VCF-style: chr15-40699906-AAT-A.
Other names: c.167_168del, p.Asn56fs (NM_001354597.3); c.215_216del, p.Asn72fs (NM_001354598.3, NM_001354599.3, NM_001354600.3 and 1 more transcripts); c.145-233_145-232del (NM_001159508.3); short protein forms N56fs, N72fs.
Identifiers: ClinVar variation 4081712 (VCV004081712.1).